The following is an entry in ClinVar:

NM_020937.4(FANCM):c.3347A>G (p.His1116Arg)

Gene: FANCM (FA complementation group M; plus strand). Cytogenetic location: 14q21.2.
Variant type: single nucleotide variant.
Coding change: c.3347A>G on transcript NM_020937.4 (MANE Select); coding-DNA position 3347, A replaced by G.
Protein change: p.His1116Arg; replaces histidine 1116 with arginine.
Molecular consequence: missense variant.
Genome position (GRCh38, 1-based): chr14:45,176,101, A>G. VCF-style: chr14-45176101-A-G. GRCh37 (hg19) VCF-style: chr14-45645304-A-G.
Other names: c.3269A>G, p.His1090Arg (NM_001308133.2); short protein forms H1090R, H1116R.
Identifiers: ClinVar variation 1415962 (VCV001415962.8), dbSNP rs778621580, ClinGen allele CA7169497.

ClinVar aggregate classification (germline): Uncertain significance. Review status: criteria provided, multiple submitters, no conflicts (2 of 4 stars). 2 submissions from 2 submitters: Uncertain significance (2). Last evaluated 2024-02-15.

Conditions:
Fanconi anemia (FA). Also called: Fanconi's anemia. Identifiers: Orphanet 84, MedGen C0015625, MeSH D005199, MONDO:0019391.

Allele frequency attached by ClinVar (database versions not stated): gnomAD exomes below 0.00001; ExAC 0.00001; TOPMed 0.00001; gnomAD 0.00002.
gnomAD v4.1: 7 of 1,613,956 alleles (0.00043%); highest among the groups gnomAD compares: Non-Finnish European, 0.00051%; no homozygotes.

Submissions (2):

GeneDx
Classification: Uncertain significance. Last evaluated: 2024-02-15. Review status: criteria provided, single submitter. Criteria: GeneDx Variant Classification Process June 2021. Collection method: clinical testing. Allele origin: germline. Affected: yes.
Comment: Not observed at significant frequency in large population cohorts (gnomAD); In silico analysis supports that this missense variant has a deleterious effect on protein structure/function; Has not been previously published as pathogenic or benign to our knowledge

Labcorp Genetics (formerly Invitae), Labcorp
Classification: Uncertain significance for Fanconi anemia. Last evaluated: 2021-11-05. Review status: criteria provided, single submitter. Criteria: Invitae Variant Classification Sherloc (09022015). Collection method: clinical testing. Allele origin: germline.
Comment: In summary, the available evidence is currently insufficient to determine the role of this variant in disease. Therefore, it has been classified as a Variant of Uncertain Significance. Algorithms developed to predict the effect of missense changes on protein structure and function output the following: SIFT: "Tolerated"; PolyPhen-2: "Benign"; Align-GVGD: "Class C0". The arginine amino acid residue is found in multiple mammalian species, which suggests that this missense change does not adversely affect protein function. This variant has not been reported in the literature in individuals affected with FANCM-related conditions. This variant is present in population databases (rs778621580, gnomAD 0.002%). This sequence change replaces histidine, which is basic and polar, with arginine, which is basic and polar, at codon 1116 of the FANCM protein (p.His1116Arg).